The following is an entry in ClinVar:

ClinVar aggregate classification (germline): Pathogenic/Likely pathogenic. Review status: criteria provided, multiple submitters, no conflicts (2 of 4 stars). 2 submissions from 2 submitters: Pathogenic (1); Likely pathogenic (1). Last evaluated 2024-10-16.

Conditions:
TYRP1-related disorder. Also called: TYRP1-related condition.

gnomAD v4.1: 1 of 1,614,016 alleles (0.000062%); highest among the groups gnomAD compares: Non-Finnish European, 0.000085%; no homozygotes.

Submissions (2):

Blueprint Genetics
Classification: Likely pathogenic for TYRP1-related disorders. Last evaluated: 2024-10-16. Review status: criteria provided, single submitter. Criteria: ACMG Guidelines, 2015. Collection method: clinical testing. Allele origin: germline. Affected: yes. Observed: 1 variant allele.

Labcorp Genetics (formerly Invitae), Labcorp
Classification: Pathogenic. Last evaluated: 2023-07-17. Review status: criteria provided, single submitter. Criteria: Invitae Variant Classification Sherloc (09022015). Collection method: clinical testing. Allele origin: germline.
Comment: For these reasons, this variant has been classified as Pathogenic. This variant has not been reported in the literature in individuals affected with TYRP1-related conditions. This variant is not present in population databases (gnomAD no frequency). This sequence change creates a premature translational stop signal (p.Ser58*) in the TYRP1 gene. It is expected to result in an absent or disrupted protein product. Loss-of-function variants in TYRP1 are known to be pathogenic (PMID: 8651291, 9345097).

Literature cited by the submitters: PubMed 8651291 (cited by Labcorp Genetics (formerly Invitae), Labcorp); PubMed 9345097 (cited by Labcorp Genetics (formerly Invitae), Labcorp).

NM_000550.3(TYRP1):c.173C>G (p.Ser58Ter)

Gene: TYRP1 (tyrosinase related protein 1; plus strand). Cytogenetic location: 9p23.
Variant type: single nucleotide variant.
Coding change: c.173C>G on transcript NM_000550.3 (MANE Select); coding-DNA position 173, C replaced by G.
Protein change: p.Ser58Ter; replaces serine 58 with a stop codon.
Molecular consequence: nonsense.
Genome position (GRCh38, 1-based): chr9:12,694,169, C>G. VCF-style: chr9-12694169-C-G. GRCh37 (hg19) VCF-style: chr9-12694169-C-G.
Other names: short protein forms S58*.
Identifiers: ClinVar variation 2812409 (VCV002812409.4), dbSNP rs1400369338, ClinGen allele CA372936369.
Genomic context (GRCh38, chr9:12,694,169, plus strand): 5'-GTGGTATGTGTTGCCCAGACCTGTCCCCTGTGTCTGGGCCTGGGACAGACCGCTGTGGCT[C>G]ATCATCAGGGAGGGGCAGATGTGAGGCAGTGACTGCAGACTCCCGGCCCCACAGCCCTCA-3'